The following is an entry in ClinVar:

NM_024884.3(L2HGDH):c.241A>G (p.Lys81Glu)

Gene: L2HGDH (L-2-hydroxyglutarate dehydrogenase; minus strand). Cytogenetic location: 14q21.3.
Variant type: single nucleotide variant.
Coding change: c.241A>G on transcript NM_024884.3 (MANE Select); coding-DNA position 241, A replaced by G.
Protein change: p.Lys81Glu; replaces lysine 81 with glutamic acid.
Molecular consequence: missense variant.
Genome position (GRCh38, 1-based): chr14:50,302,917, T>C on the plus strand (A>G on the coding strand, the complement: L2HGDH is on the minus strand). VCF-style: chr14-50302917-T-C. GRCh37 (hg19) VCF-style: chr14-50769635-T-C.
Other names: short protein forms K81E.
Identifiers: ClinVar variation 2137583 (VCV002137583.4), dbSNP rs970541687, ClinGen allele CA260760288.
Genomic context (GRCh38, chr14:50,302,917, plus strand): 5'-AGATGCCCAAGTAAGCCCAAAGAACAACATTGATTATATACATACCTAAATCTTTCTCCT[T>C]TTCCAGAACACCAATAGAAAGTGATGGATGTCGCAGGATGAGTGCTCTGGCAGAGGCAAG-3'
Protein context (NP_079160.1, residues 71-91): HPSLSIGVLE[Lys81Glu]EKDLAVHQTG

ClinVar aggregate classification (germline): Pathogenic (1 of 4 stars; one submission).

Conditions:
L-2-hydroxyglutaric aciduria (L2HGA). Identifiers: Orphanet 79314, MedGen C1855995, MONDO:0009370, OMIM 236792, HP:0040144.

Allele frequency attached by ClinVar (database versions not stated): gnomAD exomes below 0.00001; TOPMed below 0.00001.

Submission:

Labcorp Genetics (formerly Invitae), Labcorp
Classification: Pathogenic for L-2-hydroxyglutaric aciduria. Last evaluated: 2022-09-06. Review status: criteria provided, single submitter. Criteria: Invitae Variant Classification Sherloc (09022015). Collection method: clinical testing. Allele origin: germline.
Comment: For these reasons, this variant has been classified as Pathogenic. Algorithms developed to predict the effect of missense changes on protein structure and function (SIFT, PolyPhen-2, Align-GVGD) all suggest that this variant is likely to be disruptive. This missense change has been observed in individual(s) with L-2-hydroxyglutaric aciduria (PMID: 15548604, 24573090). It has also been observed to segregate with disease in related individuals. This variant is not present in population databases (gnomAD no frequency). This sequence change replaces lysine, which is basic and polar, with glutamic acid, which is acidic and polar, at codon 81 of the L2HGDH protein (p.Lys81Glu).

Literature cited by the submitters: PubMed 15548604; PubMed 24573090.